The following is an entry in ClinVar:

ClinVar aggregate classification (germline): Pathogenic. Review status: criteria provided, single submitter (1 of 4 stars). 2 submissions from 2 submitters: Pathogenic (1). 1 of the submissions does not count toward it. Last evaluated 2024-03-12.

Conditions:
Marinesco-Sjögren syndrome (MSS). Also called: Marinesco-SjÃ¶gren syndrome; Marinesco-Sjogren Syndrome. Identifiers: Orphanet 559, MedGen C0024814, MONDO:0009567, OMIM 248800.

Allele frequency attached by ClinVar (database versions not stated): gnomAD 0.00001; ExAC 0.00002.
gnomAD v4.1: 8 of 1,610,936 alleles (0.0005%); highest among the groups gnomAD compares: African/African-American, 0.0013%; no homozygotes.

Submissions (2):

Labcorp Genetics (formerly Invitae), Labcorp
Classification: Pathogenic for Marinesco-Sjögren syndrome. Last evaluated: 2024-03-12. Review status: criteria provided, single submitter. Criteria: Invitae Variant Classification Sherloc (09022015). Collection method: clinical testing. Allele origin: germline.
Comment: This sequence change affects a donor splice site in intron 9 of the SIL1 gene. While this variant is not anticipated to result in nonsense mediated decay, it likely alters RNA splicing and results in a disrupted protein product. The frequency data for this variant in the population databases is considered unreliable, as metrics indicate poor data quality at this position in the gnomAD database. Disruption of this splice site has been observed in individual(s) with Marinesco-Sjogren syndrome (PMID: 16282977). ClinVar contains an entry for this variant (Variation ID: 2626). Variants that disrupt the consensus splice site are a relatively common cause of aberrant splicing (PMID: 17576681, 9536098). Algorithms developed to predict the effect of sequence changes on RNA splicing suggest that this variant may disrupt the consensus splice site. This variant disrupts a region of the SIL1 protein in which other variant(s) (p.Gln414*) have been determined to be pathogenic (PMID: 19471582). This suggests that this is a clinically significant region of the protein, and that variants that disrupt it are likely to be disease-causing. For these reasons, this variant has been classified as Pathogenic.

OMIM
Classification: Pathogenic for MARINESCO-SJOGREN SYNDROME. Last evaluated: 2005-12-01. Review status: no assertion criteria provided. Collection method: literature only. Allele origin: germline. Not counted in ClinVar's aggregate classification.

Literature cited by the submitters: PubMed 16282977 (cited by Labcorp Genetics (formerly Invitae), Labcorp and OMIM); PubMed 17576681 (cited by Labcorp Genetics (formerly Invitae), Labcorp); PubMed 9536098 (cited by Labcorp Genetics (formerly Invitae), Labcorp); PubMed 19471582 (cited by Labcorp Genetics (formerly Invitae), Labcorp).

NM_022464.5(SIL1):c.1029+1G>A

Gene: SIL1 (SIL1 nucleotide exchange factor; minus strand). Cytogenetic location: 5q31.2.
Variant type: single nucleotide variant.
Coding change: c.1029+1G>A on transcript NM_022464.5 (MANE Select); the canonical splice donor site of the intron after coding-DNA position 1029, G replaced by A.
Molecular consequence: splice donor variant.
Genome position (GRCh38, 1-based): chr5:138,951,170, C>T on the plus strand (G>A on the coding strand, the complement: SIL1 is on the minus strand). VCF-style: chr5-138951170-C-T. GRCh37 (hg19) VCF-style: chr5-138286859-C-T.
Other names: IVS9DS, G-A, +1; c.1029+1G>A (NM_001037633.2).
Identifiers: ClinVar variation 2626 (VCV000002626.3), dbSNP rs777752978, ClinGen allele CA252372.
Genomic context (GRCh38, chr5:138,951,170, plus strand): 5'-CATCCACCCAGAAGCACACACAAAGCAAACAAGAGGAGACTGGGTGGGCCTGGGCACTCA[C>T]CTTCTCCGTGACCAGGTCGTAGAGCAGTGTGACCACGCGCACGGCGAGCACCTCCGTGCC-3'